The following is an entry in ClinVar:

NM_000141.5(FGFR2):c.1141T>G (p.Tyr381Asp)

Gene: FGFR2 (fibroblast growth factor receptor 2; minus strand). Cytogenetic location: 10q26.13.
Variant type: single nucleotide variant.
Coding change: c.1141T>G on transcript NM_000141.5 (MANE Select); coding-DNA position 1141, T replaced by G.
Protein change: p.Tyr381Asp; replaces tyrosine 381 with aspartic acid.
Molecular consequence: missense variant. On other transcripts: non-coding transcript variant (1), intron variant (1).
Genome position (GRCh38, 1-based): chr10:121,515,263, A>C on the plus strand (T>G on the coding strand, the complement: FGFR2 is on the minus strand). VCF-style: chr10-121515263-A-C. GRCh37 (hg19) VCF-style: chr10-123274777-A-C.
Other names: c.1144T>G, p.Tyr382Asp (NM_001144913.1, NM_022970.4); c.805T>G, p.Tyr269Asp (NM_001144914.1); c.874T>G, p.Tyr292Asp (NM_001144915.2, NM_023029.3); c.796T>G, p.Tyr266Asp (NM_001144916.2, NM_001144918.2); c.877T>G, p.Tyr293Asp (NM_001144919.2); c.457T>G, p.Tyr153Asp (NM_001320654.2); c.1141T>G, p.Tyr381Asp (NM_001320658.2); c.939+4716T>G (NM_001144917.2); short protein forms Y381D, Y382D, Y292D, Y266D, Y153D, Y293D, Y269D.
Identifiers: ClinVar variation 29856 (VCV000029856.13), dbSNP rs387906678, ClinGen allele CA128695.

ClinVar aggregate classification (germline): Pathogenic. Review status: criteria provided, multiple submitters, no conflicts (2 of 4 stars). 6 submissions from 6 submitters: Pathogenic (5). 1 of the submissions does not count toward it. Last evaluated 2023-04-07.

Conditions:
FGFR2-related disorder. Identifiers: MedGen CN380096.
Inborn genetic diseases. Identifiers: MedGen C0950123, MeSH D030342.
Bent bone dysplasia syndrome 1 (BBDS1). Also called: FGFR2-related bent bone dysplasia. Identifiers: Orphanet 313855, MedGen C3281247, MONDO:0013815, OMIM 614592.

Submissions (6):

PreventionGenetics, part of Exact Sciences
Classification: Pathogenic for FGFR2-related condition. Last evaluated: 2023-04-07. Review status: criteria provided, single submitter. Criteria: ACMG Guidelines, 2015. Collection method: clinical testing. Allele origin: germline.
Comment: The FGFR2 c.1141T>G variant is predicted to result in the amino acid substitution p.Tyr381Asp. This variant has been reported in the de novo or heterozygous states in individuals with bent bone dysplasia (Merrill et al. 2012. PubMed ID: 22387015; Stichelbout et al. 2015. PubMed ID: 26573129; Krakow et al. 2016. PubMed ID: 27240702). This variant has also been reported in the heterozygous state in an individual with craniosynostosis syndrome (Farwell et al. 2014. PubMed ID: 25356970. Table S3). Additionally, functional studies showed that this variant could reduce FGF canonical signaling and enhance nucleolar occupancy of FGFR2 at the ribosomal DNA promoter, therefore increasing osteoprogenitors cell proliferation and decreasing osteoblast differentiation (Merrill et al. 2012. PubMed ID: 22387015; Neben et al. 2014. PubMed ID: 24908667). This variant has not been reported in a large population database, indicating this variant is rare. This variant is interpreted as pathogenic.

Victorian Clinical Genetics Services, Murdoch Childrens Research Institute
Classification: Pathogenic for Bent bone dysplasia syndrome 1. Last evaluated: 2022-03-31. Review status: criteria provided, single submitter. Criteria: ACMG Guidelines, 2015. Collection method: clinical testing. Allele origin: germline. Inheritance: Autosomal dominant inheritance. Affected: yes.
Comment: Based on the classification scheme VCGS_Germline_v1.3.4, this variant is classified as Pathogenic. Following criteria are met: 0103 - Loss of function (LoF) and gain of function (GoF) are known mechanisms of disease in this gene. Variants which are involved in LADD syndrome (MIM#149730) and bent bone dysplasia syndrome (MIM#614592), generally in the tyrosine kinase domain and hydrophobic transmembrane domain, respectively, exert a LoF effect. Variants involved in craniosynostosis (MIM#207410, 101200, 123790, 101600, 123500, 123150) are located within the extracellular ligand binding domain and exert a GoF effect (PMID: 27240702). (I) 0107 - This gene is associated with autosomal dominant disease. (I) 0115 - Variants in this gene are known to have variable expressivity in Crouzon syndrome (MIM#123500; GeneReviews). (I) 0200 - Variant is predicted to result in a missense amino acid change from tyrosine to aspartic acid. (I) 0251 - This variant is heterozygous. (I) 0301 - Variant is absent from gnomAD (both v2 and v3). (SP) 0501 - Missense variant consistently predicted to be damaging by multiple in silico tools or highly conserved with a major amino acid change. (SP) 0602 - Variant is located in a hotspot region or cluster of pathogenic variants in the transmembrane domain (DECIPHER, PMID: 27240702). (SP) 0801 - This variant has strong previous evidence of pathogenicity in unrelated individuals. It is a recurrent variant in bent bone dysplasia syndrome (MIM#614592) and has been reported in at least ten individuals, with some confirmed de novo (PMID: 22387015, 26446305, 26573129, 27240702). (SP) Legend: (SP) - Supporting pathogenic, (I) - Information, (SB) - Supporting benign

GeneDx
Classification: Pathogenic. Last evaluated: 2021-10-26. Review status: criteria provided, single submitter. Criteria: GeneDx Variant Classification Process June 2021. Collection method: clinical testing. Allele origin: germline. Affected: yes.
Comment: Not observed at significant frequency in large population cohorts (Lek et al., 2016); Published functional studies suggest a damaging effect, specifically, an increased accumulation in the nucleolus resulting in a disruption of nucleolar structure and increased ribosomal biogenesis that likely contributes to altered osteoblast differentiation (Neben, C, et al., 2017); In silico analysis, which includes protein predictors and evolutionary conservation, supports a deleterious effect; This variant is associated with the following publications: (PMID: 24908667, 22387015, 25356970, 26573129, 26446305, 30620790, 29230096, 27240702, 28595297)

Eurofins Ntd Llc (ga)
Classification: Pathogenic. Last evaluated: 2015-11-20. Review status: criteria provided, single submitter. Criteria: EGL Classification Definitions 2015. Collection method: clinical testing. Allele origin: germline. Observed: 1 variant allele, 1 heterozygote.

Ambry Genetics
Classification: Pathogenic for Inborn genetic diseases. Last evaluated: 2012-11-29. Review status: criteria provided, single submitter. Criteria: Ambry Autosomal Dominant and X-Linked criteria (10/2015). Collection method: clinical testing. Allele origin: germline. Observed: 1 variant allele.
Comment: Please see table 3 in supplementary results of the main report. This variant has not been detected in conjunction with a pathogenic mutation to date. Allele frequency data in population-based cohorts is not currently available. This amino acid position is highly conserved in available vertebrate species.This alteration is predicted to be probably damaging with a score of 0.996 (sensitivity: 0.36; specificity: 0.97)This alteration is predicted to be tolerated with a score of 0.120 (conservation: 2.04)

OMIM
Classification: Pathogenic for BENT BONE DYSPLASIA SYNDROME 1. Last evaluated: 2012-03-09. Review status: no assertion criteria provided. Collection method: literature only. Allele origin: germline. Not counted in ClinVar's aggregate classification.

Literature cited by the submitters: PubMed 22387015 (cited by 3 submitters); PubMed 26446305 (cited by Victorian Clinical Genetics Services, Murdoch Childrens Research Institute); PubMed 26573129 (cited by Victorian Clinical Genetics Services, Murdoch Childrens Research Institute); PubMed 27240702 (cited by Victorian Clinical Genetics Services, Murdoch Childrens Research Institute).